The following is an entry in ClinVar:

NM_017721.5(CC2D1A):c.705C>T (p.Ala235=)

Gene: CC2D1A (coiled-coil and C2 domain containing 1A; plus strand). Cytogenetic location: 19p13.12.
Variant type: single nucleotide variant.
Coding change: c.705C>T on transcript NM_017721.5 (MANE Select); coding-DNA position 705, C replaced by T.
Protein change: p.Ala235=; no amino-acid change (alanine 235 retained).
Molecular consequence: synonymous variant.
Genome position (GRCh38, 1-based): chr19:13,913,595, C>T. VCF-style: chr19-13913595-C-T. GRCh37 (hg19) VCF-style: chr19-14024408-C-T.
Identifiers: ClinVar variation 434596 (VCV000434596.16), dbSNP rs376336714, ClinGen allele CA9244387.

ClinVar aggregate classification (germline): Likely benign. Review status: criteria provided, multiple submitters, no conflicts (2 of 4 stars). 4 submissions from 4 submitters: Likely benign (3). 1 of the submissions does not count toward it. Last evaluated 2024-11-22.

Conditions:
CC2D1A-related disorder. Also called: CC2D1A-related condition.

Allele frequency attached by ClinVar (database versions not stated): TOPMed 0.00012; gnomAD 0.00013 and 0.00014; gnomAD exomes 0.00013 and 0.00037; ExAC 0.00014; 1000 Genomes Project 30x 0.00016; ESP Exome Variant Server 0.00017; 1000 Genomes Project 0.00020.
gnomAD v4.1: 546 of 1,613,246 alleles (0.034%); highest among the groups gnomAD compares: Non-Finnish European, 0.045%; 2 homozygotes.

Submissions (4):

Blueprint Genetics
Classification: Likely benign. Last evaluated: 2024-11-22. Review status: criteria provided, single submitter. Criteria: ACMG Guidelines, 2015. Collection method: clinical testing. Allele origin: germline.

Labcorp Genetics (formerly Invitae), Labcorp
Classification: Likely benign. Last evaluated: 2024-02-06. Review status: criteria provided, single submitter. Criteria: Invitae Variant Classification Sherloc (09022015). Collection method: clinical testing. Allele origin: germline.

Genetic Services Laboratory, University of Chicago
Classification: Likely benign. Last evaluated: 2016-03-02. Review status: criteria provided, single submitter. Criteria: ACMG Guidelines, 2015. Collection method: clinical testing. Allele origin: germline. Affected: no.

PreventionGenetics, part of Exact Sciences
Classification: Likely benign for CC2D1A-related condition. Last evaluated: 2020-01-10. Review status: no assertion criteria provided. Collection method: clinical testing. Allele origin: germline. Not counted in ClinVar's aggregate classification.
Comment: This variant is classified as likely benign based on ACMG/AMP sequence variant interpretation guidelines (Richards et al. 2015 PMID: 25741868, with internal and published modifications).